The following is an entry in ClinVar:

ClinVar aggregate classification (germline): Uncertain significance. Review status: criteria provided, multiple submitters, no conflicts (2 of 4 stars). 4 submissions from 4 submitters: Uncertain significance (4). Last evaluated 2026-06-08.

Conditions:
PCDH15-related disorder. Also called: PCDH15-related condition; PCDH15-related disorders.
Inborn genetic diseases. Identifiers: MedGen C0950123, MeSH D030342.
Usher syndrome type 1D (USH1D). Also called: USHER SYNDROME, TYPE ID. Identifiers: Orphanet 231169, Orphanet 886, MedGen C1832845, MONDO:0010984, OMIM 601067.

Allele frequency attached by ClinVar (database versions not stated): gnomAD 0.00011; TOPMed 0.00011; gnomAD exomes 0.00017 and 0.00010; ExAC 0.00007; ESP Exome Variant Server 0.00039.
gnomAD v4.1: 267 of 1,613,836 alleles (0.017%); highest among the groups gnomAD compares: Non-Finnish European, 0.021%; no homozygotes.

Submissions (4):

PreventionGenetics, part of Exact Sciences
Classification: Uncertain significance for PCDH15-related condition. Last evaluated: 2026-06-08. Review status: criteria provided, single submitter. Criteria: ACMG Guidelines, 2015. Collection method: clinical testing. Allele origin: germline.
Comment: The PCDH15 c.4864A>G variant is predicted to result in the amino acid substitution p.Ser1622Gly. This variant was previously reported in an individual with retinal disease (supplementary data, Dineiro et al. 2020. PubMed ID: 32483926). This variant is reported in 0.020% of alleles in individuals of European (Non-Finnish) descent in gnomAD. At this time, the clinical significance of this variant is uncertain due to the absence of conclusive functional and genetic evidence.

Ambry Genetics
Classification: Uncertain significance for Inborn genetic diseases. Last evaluated: 2021-10-21. Review status: criteria provided, single submitter. Criteria: Ambry Variant Classification Scheme 2023. Collection method: clinical testing. Allele origin: germline.

Centre for Mendelian Genomics, University Medical Centre Ljubljana
Classification: Uncertain significance for Usher syndrome type 1D. Last evaluated: 2019-09-16. Review status: criteria provided, single submitter. Criteria: ACMG Guidelines, 2015. Collection method: clinical testing. Allele origin: unknown. Affected: yes.
Comment: This variant was classified as: Uncertain significance. The following ACMG criteria were applied in classifying this variant: PM2,PP3,BP1.

Laboratory for Molecular Medicine, Mass General Brigham Personalized Medicine
Classification: Uncertain significance. Last evaluated: 2015-02-12. Review status: criteria provided, single submitter. Criteria: LMM Criteria. Collection method: clinical testing. Allele origin: germline. Observed: 2 variant alleles.
Comment: Variant classified as Uncertain Significance - Favor Benign. The p.Ser1622Gl y variant has also been identified in 8/67250 European chromosomes by the Exome Aggregation Consortium (ExAC; dbSNP rs372184022) . Computational prediction tools and conservation analysis suggest that this var iant may not impact the protein, though this information is not predictive enoug h to rule out pathogenicity. In summary, while the clinical significance of the p.Ser1622Gly variant is uncertain, these data suggest that it is more likely to be benign.

NM_001384140.1(PCDH15):c.4671+1355A>G

Gene: PCDH15 (protocadherin related 15; minus strand). Cytogenetic location: 10q21.1.
Variant type: single nucleotide variant.
Coding change: c.4671+1355A>G on transcript NM_001384140.1 (MANE Select); 1355 bases into the intron after coding-DNA position 4671, A replaced by G.
Molecular consequence: intron variant. On other transcripts: missense variant (2), 3 prime UTR variant (1).
Genome position (GRCh38, 1-based): chr10:53,809,201, T>C on the plus strand (A>G on the coding strand, the complement: PCDH15 is on the minus strand). VCF-style: chr10-53809201-T-C. GRCh37 (hg19) VCF-style: chr10-55568961-T-C.
Other names: c.4864A>G, p.Ser1622Gly (NM_001142769.4); c.*279A>G (NM_001142770.3); c.4843A>G, p.Ser1615Gly (NM_001354411.2); c.4476+1355A>G (NM_001354420.2); c.4605+1355A>G (NM_001354429.2); c.4482+1355A>G (NM_001142772.2); c.4497+1355A>G (NM_001142771.2); short protein forms S1622G, S1615G.
Identifiers: ClinVar variation 178515 (VCV000178515.11), dbSNP rs372184022, ClinGen allele CA182472.